The following is an entry in ClinVar:

ClinVar aggregate classification (germline): Likely pathogenic (1 of 4 stars; one submission).

Conditions:
Mucopolysaccharidosis type 1. Also called: IDUA deficiency; MPS I; Mucopolysaccharidosis Type I. Identifiers: Orphanet 579, MedGen C0023786, MONDO:0001586.

Submission:

Labcorp Genetics (formerly Invitae), Labcorp
Classification: Likely pathogenic for Mucopolysaccharidosis type 1. Last evaluated: 2025-05-17. Review status: criteria provided, single submitter. Criteria: Invitae Variant Classification Sherloc (09022015). Collection method: clinical testing. Allele origin: germline.
Comment: This sequence change replaces cysteine, which is neutral and slightly polar, with tyrosine, which is neutral and polar, at codon 241 of the IDUA protein (p.Cys241Tyr). This variant is not present in population databases (gnomAD no frequency). This variant has not been reported in the literature in individuals affected with IDUA-related conditions. Invitae Evidence Modeling of protein sequence and biophysical properties (such as structural, functional, and spatial information, amino acid conservation, physicochemical variation, residue mobility, and thermodynamic stability) indicates that this missense variant is expected to disrupt IDUA protein function with a positive predictive value of 95%. This variant disrupts the p.Cys241 amino acid residue in IDUA. Other variant(s) that disrupt this residue have been determined to be pathogenic (PMID: 28604952). This suggests that this residue is clinically significant, and that variants that disrupt this residue are likely to be disease-causing. In summary, the currently available evidence indicates that the variant is pathogenic, but additional data are needed to prove that conclusively. Therefore, this variant has been classified as Likely Pathogenic.

Literature cited by the submitters: PubMed 28604952.

NM_000203.5(IDUA):c.722G>A (p.Cys241Tyr)

Gene: IDUA (alpha-L-iduronidase; plus strand). Cytogenetic location: 4p16.3.
Variant type: single nucleotide variant.
Coding change: c.722G>A on transcript NM_000203.5 (MANE Select); coding-DNA position 722, G replaced by A.
Protein change: p.Cys241Tyr; replaces cysteine 241 with tyrosine.
Molecular consequence: missense variant. On other transcripts: non-coding transcript variant (1).
Genome position (GRCh38, 1-based): chr4:1,001,811, G>A. VCF-style: chr4-1001811-G-A. GRCh37 (hg19) VCF-style: chr4-995599-G-A.
Other names: c.326G>A, p.Cys109Tyr (NM_001363576.1); short protein forms C109Y, C241Y.
Identifiers: ClinVar variation 4802668 (VCV004802668.1).
Genomic context (GRCh38, chr4:1,001,811, plus strand): 5'-CCGGCGACTCCTTCCACACCCCACCGCGATCCCCGCTGAGCTGGGGCCTCCTGCGCCACT[G>A]CCACGACGGTACCAACTTCTTCACTGGGGAGGCGGGCGTGCGGCTGGACTACATCTCCCT-3'
Protein context (NP_000194.2, residues 231-251): SPLSWGLLRH[Cys241Tyr]HDGTNFFTGE